The following is an entry in ClinVar:

NM_007055.4(POLR3A):c.3351T>A (p.Ile1117=)

Gene: POLR3A (RNA polymerase III subunit A; minus strand). Cytogenetic location: 10q22.3.
Variant type: single nucleotide variant.
Coding change: c.3351T>A on transcript NM_007055.4 (MANE Select); coding-DNA position 3351, T replaced by A.
Protein change: p.Ile1117=; no amino-acid change (isoleucine 1117 retained).
Molecular consequence: synonymous variant.
Genome position (GRCh38, 1-based): chr10:77,983,998, A>T on the plus strand (T>A on the coding strand, the complement: POLR3A is on the minus strand). VCF-style: chr10-77983998-A-T. GRCh37 (hg19) VCF-style: chr10-79743756-A-T.
Identifiers: ClinVar variation 301044 (VCV000301044.16), dbSNP rs199559258, ClinGen allele CA5570856.

ClinVar aggregate classification (germline): Benign. Review status: criteria provided, multiple submitters, no conflicts (2 of 4 stars). 3 submissions from 3 submitters: Benign (3). Last evaluated 2025-12-19.

Conditions:
Leukodystrophy, hypomyelinating, 7, with or without oligodontia and/or hypogonadotropic hypogonadism (HLD7). Also called: LEUKOENCEPHALOPATHY, HYPOMYELINATING, WITH ATAXIA AND DELAYED DENTITION; ATAXIA, DELAYED DENTITION, AND HYPOMYELINATION; LEUKODYSTROPHY, HYPOMYELINATING, 7, WITH OLIGODONTIA; LEUKODYSTROPHY, HYPOMYELINATING, 7, WITH OLIGODONTIA AND HYPOGONADOTROPIC HYPOGONADISM; LEUKODYSTROPHY, HYPOMYELINATING, 7, WITHOUT OLIGODONTIA OR HYPOGONADOTROPIC HYPOGONADISM; Ataxia, Delayed Dentition and Hypomyelination (ADDH). Identifiers: Orphanet 137639, Orphanet 447893, Orphanet 447896, Orphanet 77295, Orphanet 88637, MedGen CN034185, MONDO:0011897, OMIM 607694.

Allele frequency attached by ClinVar (database versions not stated): ESP Exome Variant Server 0.00008; gnomAD 0.00008 and 0.00165; TOPMed 0.00040; gnomAD exomes 0.00640; ExAC 0.00762; 1000 Genomes Project 30x 0.01109; 1000 Genomes Project 0.01178.
gnomAD v4.1: 4,699 of 1,608,552 alleles (0.29%); highest among the groups gnomAD compares: South Asian, 4.8%; 130 homozygotes.

Submissions (3):

Labcorp Genetics (formerly Invitae), Labcorp
Classification: Benign. Last evaluated: 2025-12-19. Review status: criteria provided, single submitter. Criteria: Invitae Variant Classification Sherloc (09022015). Collection method: clinical testing. Allele origin: germline.

GeneDx
Classification: Benign. Last evaluated: 2021-05-06. Review status: criteria provided, single submitter. Criteria: GeneDx Variant Classification Process June 2021. Collection method: clinical testing. Allele origin: germline. Affected: yes.

Illumina Laboratory Services, Illumina
Classification: Benign for Leukodystrophy, hypomyelinating, 7, with or without oligodontia and/or hypogonadotropic hypogonadism. Last evaluated: 2018-01-13. Review status: criteria provided, single submitter. Criteria: ICSL Variant Classification Criteria 13 December 2019. Collection method: clinical testing. Allele origin: germline.
Comment: This variant was observed in the ICSL laboratory as part of a predisposition screen in an ostensibly healthy population. It had not been previously curated by ICSL or reported in the Human Gene Mutation Database (HGMD: prior to June 1st, 2018), and was therefore a candidate for classification through an automated scoring system. Utilizing variant allele frequency, disease prevalence and penetrance estimates, and inheritance mode, an automated score was calculated to assess if this variant is too frequent to cause the disease. Based on the score and internal cut-off values, a variant classified as benign is not then subjected to further curation. The score for this variant resulted in a classification of benign for this disease.